The following is an entry in ClinVar:

NM_139076.3(ABRAXAS1):c.603A>T (p.Lys201Asn)

Gene: ABRAXAS1 (abraxas 1, BRCA1 A complex subunit; minus strand). Cytogenetic location: 4q21.23.
Variant type: single nucleotide variant.
Coding change: c.603A>T on transcript NM_139076.3 (MANE Select); coding-DNA position 603, A replaced by T.
Protein change: p.Lys201Asn; replaces lysine 201 with asparagine.
Molecular consequence: missense variant.
Genome position (GRCh38, 1-based): chr4:83,467,532, T>A on the plus strand (A>T on the coding strand, the complement: ABRAXAS1 is on the minus strand). VCF-style: chr4-83467532-T-A. GRCh37 (hg19) VCF-style: chr4-84388685-T-A.
Other names: c.276A>T, p.Lys92Asn (NM_001345962.2); short protein forms K201N, K92N.
Identifiers: ClinVar variation 2057153 (VCV002057153.8), dbSNP rs777073943, ClinGen allele CA2990497.

ClinVar aggregate classification (germline): Uncertain significance. Review status: criteria provided, multiple submitters, no conflicts (2 of 4 stars). 2 submissions from 2 submitters: Uncertain significance (2). Last evaluated 2025-06-18.

Allele frequency attached by ClinVar (database versions not stated): ExAC 0.00001; gnomAD 0.00001; TOPMed 0.00003.

Submissions (2):

Ambry Genetics
Classification: Uncertain significance. Last evaluated: 2025-06-18. Review status: criteria provided, single submitter. Criteria: Ambry Variant Classification Scheme 2023. Collection method: clinical testing. Allele origin: germline.

Labcorp Genetics (formerly Invitae), Labcorp
Classification: Uncertain significance. Last evaluated: 2022-12-02. Review status: criteria provided, single submitter. Criteria: Invitae Variant Classification Sherloc (09022015). Collection method: clinical testing. Allele origin: germline.
Comment: This sequence change replaces lysine, which is basic and polar, with asparagine, which is neutral and polar, at codon 201 of the ABRAXAS1 protein (p.Lys201Asn). This variant is present in population databases (rs777073943, gnomAD 0.007%). This variant has not been reported in the literature in individuals affected with ABRAXAS1-related conditions. Advanced modeling of protein sequence and biophysical properties (such as structural, functional, and spatial information, amino acid conservation, physicochemical variation, residue mobility, and thermodynamic stability) performed at Invitae indicates that this missense variant is not expected to disrupt ABRAXAS1 protein function. In summary, the available evidence is currently insufficient to determine the role of this variant in disease. Therefore, it has been classified as a Variant of Uncertain Significance.